The following is an entry in ClinVar:

ClinVar aggregate classification (germline): Uncertain significance. Review status: criteria provided, multiple submitters, no conflicts (2 of 4 stars). 2 submissions from 2 submitters: Uncertain significance (2). Last evaluated 2026-03-03.

Allele frequency attached by ClinVar (database versions not stated): gnomAD exomes below 0.00001; TOPMed below 0.00001; gnomAD 0.00001.
gnomAD v4.1: 5 of 1,613,996 alleles (0.00031%); highest among the groups gnomAD compares: Admixed American, 0.0017%; no homozygotes.

Submissions (2):

Women's Health and Genetics/Laboratory Corporation of America, LabCorp
Classification: Uncertain significance. Last evaluated: 2026-03-03. Review status: criteria provided, single submitter. Criteria: LabCorp Variant Classification Summary - May 2015. Collection method: clinical testing. Allele origin: germline.
Comment: Variant summary: EMC1 c.2293G>A (p.Val765Ile) results in a conservative amino acid change in the encoded protein sequence. Algorithms developed to predict the effect of missense changes on protein structure and function are either unavailable or do not agree on the potential impact of this missense change. The variant was absent in 251436 control chromosomes. The available data on variant occurrences in the general population are insufficient to allow any conclusion about variant significance. To our knowledge, no occurrence of c.2293G>A in individuals affected with EMC1-related conditions and no experimental evidence demonstrating its impact on protein function have been reported. ClinVar contains an entry for this variant (Variation ID: 1385079). Based on the evidence outlined above, the variant was classified as uncertain significance.

Labcorp Genetics (formerly Invitae), Labcorp
Classification: Uncertain significance. Last evaluated: 2025-11-10. Review status: criteria provided, single submitter. Criteria: Invitae Variant Classification Sherloc (09022015). Collection method: clinical testing. Allele origin: germline.
Comment: This sequence change replaces valine, which is neutral and non-polar, with isoleucine, which is neutral and non-polar, at codon 765 of the EMC1 protein (p.Val765Ile). This variant is present in population databases (no rsID available, gnomAD 0.007%). This variant has not been reported in the literature in individuals affected with EMC1-related conditions. ClinVar contains an entry for this variant (Variation ID: 1385079). Invitae Evidence Modeling of protein sequence and biophysical properties (such as structural, functional, and spatial information, amino acid conservation, physicochemical variation, residue mobility, and thermodynamic stability) indicates that this missense variant is not expected to disrupt EMC1 protein function with a negative predictive value of 80%. In summary, the available evidence is currently insufficient to determine the role of this variant in disease. Therefore, it has been classified as a Variant of Uncertain Significance.

NM_015047.3(EMC1):c.2293G>A (p.Val765Ile)

Genes: EMC1 (ER membrane protein complex subunit 1; minus strand), EMC1-AS1 (EMC1 antisense RNA 1; plus strand). Cytogenetic location: 1p36.13.
Variant type: single nucleotide variant.
Coding change: c.2293G>A on transcript NM_015047.3 (MANE Select); coding-DNA position 2293, G replaced by A.
Protein change: p.Val765Ile; replaces valine 765 with isoleucine.
Molecular consequence: missense variant.
Genome position (GRCh38, 1-based): chr1:19,223,479, C>T on the plus strand (G>A on the coding strand, the complement: EMC1 is on the minus strand). VCF-style: chr1-19223479-C-T. GRCh37 (hg19) VCF-style: chr1-19549973-C-T.
Other names: c.2290G>A, p.Val764Ile (NM_001271427.2, NM_001271428.2); c.2227G>A, p.Val743Ile (NM_001271429.2); c.2302G>A, p.Val768Ile (NM_001375820.1); c.2299G>A, p.Val767Ile (NM_001375821.1); short protein forms V764I, V765I, V768I, V743I, V767I.
Identifiers: ClinVar variation 1385079 (VCV001385079.7), dbSNP rs1477884906, ClinGen allele CA338754971.